The following is an entry in ClinVar:

ClinVar aggregate classification (germline): Benign (0 of 4 stars; one submission).

Conditions:
ZFHX3-related disorder. Also called: ZFHX3-related condition.

Allele frequency attached by ClinVar (database versions not stated): 1000 Genomes Project 30x 0.04341; 1000 Genomes Project 0.04373; ESP Exome Variant Server 0.06771.
gnomAD v4.1: 118,561 of 1,613,552 alleles (7.3%); highest among the groups gnomAD compares: Non-Finnish European, 8%; 4,738 homozygotes.

Submission:

PreventionGenetics, part of Exact Sciences
Classification: Benign for ZFHX3-related condition. Last evaluated: 2019-07-15. Review status: no assertion criteria provided. Collection method: clinical testing. Allele origin: germline.
Comment: This variant is classified as benign based on ACMG/AMP sequence variant interpretation guidelines (Richards et al. 2015 PMID: 25741868, with internal and published modifications).

NM_006885.4(ZFHX3):c.423G>A (p.Ala141=)

Gene: ZFHX3 (zinc finger homeobox 3; minus strand). Cytogenetic location: 16q22.3.
Variant type: single nucleotide variant.
Coding change: c.423G>A on transcript NM_006885.4 (MANE Select); coding-DNA position 423, G replaced by A.
Protein change: p.Ala141=; no amino-acid change (alanine 141 retained).
Molecular consequence: synonymous variant. On other transcripts: intron variant (1).
Genome position (GRCh38, 1-based): chr16:72,959,723, C>T on the plus strand (G>A on the coding strand, the complement: ZFHX3 is on the minus strand). VCF-style: chr16-72959723-C-T. GRCh37 (hg19) VCF-style: chr16-72993622-C-T.
Other names: c.423G>A, p.Ala141= (NM_001386735.1); c.-23-8758G>A (NM_001164766.2).
Identifiers: ClinVar variation 3056706 (VCV003056706.2), dbSNP rs62053190, ClinGen allele CA8164990.